The following is an entry in ClinVar:

NM_004713.6(NEMF):c.1649A>G (p.Asn550Ser)

Gene: NEMF (nuclear export mediator factor; minus strand). Cytogenetic location: 14q21.3.
Variant type: single nucleotide variant.
Coding change: c.1649A>G on transcript NM_004713.6 (MANE Select); coding-DNA position 1649, A replaced by G.
Protein change: p.Asn550Ser; replaces asparagine 550 with serine.
Molecular consequence: missense variant.
Genome position (GRCh38, 1-based): chr14:49,814,786, T>C on the plus strand (A>G on the coding strand, the complement: NEMF is on the minus strand). VCF-style: chr14-49814786-T-C. GRCh37 (hg19) VCF-style: chr14-50281504-T-C.
Other names: c.1649A>G, p.Asn550Ser (NM_001301732.3); short protein forms N550S.
Identifiers: ClinVar variation 1801911 (VCV001801911.1), dbSNP rs2503199902, ClinGen allele CA389623540.

ClinVar aggregate classification (germline): Uncertain significance (1 of 4 stars; one submission).

Allele frequency attached by ClinVar (database versions not stated): gnomAD exomes below 0.00001.
gnomAD v4.1: 1 of 1,593,138 alleles (0.000063%); highest among the groups gnomAD compares: Non-Finnish European, 0.000085%; no homozygotes.

Submission:

GeneDx
Classification: Uncertain significance. Last evaluated: 2022-05-25. Review status: criteria provided, single submitter. Criteria: GeneDx Variant Classification Process June 2021. Collection method: clinical testing. Allele origin: germline. Affected: yes.
Comment: Not observed at significant frequency in large population cohorts (gnomAD); In silico analysis supports that this missense variant has a deleterious effect on protein structure/function; Has not been previously published as pathogenic or benign to our knowledge